The following is an entry in ClinVar:

NM_021098.3(CACNA1H):c.6078del (p.Lys2027fs)

Gene: CACNA1H (calcium voltage-gated channel subunit alpha1 H; plus strand). Cytogenetic location: 16p13.3.
Variant type: Deletion.
Coding change: c.6078del on transcript NM_021098.3 (MANE Select); coding-DNA position 6078, one base deleted (G; older notation c.6078delG).
Protein change: p.Lys2027fs; shifts the reading frame from lysine 2027.
Molecular consequence: frameshift variant.
Genome position (GRCh38, 1-based): chr16:1,220,010, G deleted; the last of 3 consecutive G bases (chr16:1,220,008-1,220,010); deleting any one gives the same sequence. VCF-style (leftmost placement, unchanged base first): chr16-1220007-AG-A. GRCh37 (hg19) VCF-style: chr16-1270007-AG-A.
Other names: c.6060del, p.Lys2021fs (NM_001005407.2); short protein forms K2027fs, K2021fs.
Identifiers: ClinVar variation 5008607 (VCV005008607.1).

ClinVar aggregate classification (germline): Uncertain significance (1 of 4 stars; one submission).

Submission:

GeneDx
Classification: Uncertain significance. Last evaluated: 2026-03-04. Review status: criteria provided, single submitter. Criteria: GeneDx Variant Classification Process June 2021. Collection method: clinical testing. Allele origin: germline.
Comment: Not observed at significant frequency in large population cohorts (gnomAD); Frameshift variant predicted to result in abnormal protein length as the last 327 amino acid(s) are replaced with 19 different amino acid(s); Has not been previously published as pathogenic or benign to our knowledge